The following is an entry in ClinVar:

ClinVar aggregate classification (germline): Benign/Likely benign. Review status: criteria provided, multiple submitters, no conflicts (2 of 4 stars). 10 submissions from 10 submitters: Benign (7); Likely benign (3). Last evaluated 2026-02-02.

Conditions:
Hereditary cancer-predisposing syndrome. Also called: Neoplastic Syndromes, Hereditary; Hereditary Cancer Syndrome; Tumor predisposition; Hereditary neoplastic syndrome. Identifiers: Orphanet 140162, MedGen C0027672, MeSH D009386, MONDO:0015356.
Tuberous sclerosis syndrome (TSC). Also called: Tuberous Sclerosis Complex; Tuberous sclerosis. Identifiers: Orphanet 805, MedGen C0041341, MONDO:0001734.
Tuberous sclerosis 1 (TSC1). Identifiers: Orphanet 805, MedGen C1854465, MONDO:0008612, OMIM 191100.

Allele frequency attached by ClinVar (database versions not stated): gnomAD exomes 0.00004 and 0.00014; ExAC 0.00013; TOPMed 0.00019; ESP Exome Variant Server 0.00023; gnomAD 0.00024 and 0.00025; 1000 Genomes Project 30x 0.00031; 1000 Genomes Project 0.00040.
gnomAD v4.1: 108 of 1,614,198 alleles (0.0067%); highest among the groups gnomAD compares: Middle Eastern, 0.066%; no homozygotes.

Submissions (10):

Labcorp Genetics (formerly Invitae), Labcorp
Classification: Benign for Tuberous sclerosis 1. Last evaluated: 2026-02-02. Review status: criteria provided, single submitter. Criteria: Invitae Variant Classification Sherloc (09022015). Collection method: clinical testing. Allele origin: germline.

Myriad Genetics, Inc.
Classification: Benign for Tuberous sclerosis 1. Last evaluated: 2025-04-08. Review status: criteria provided, single submitter. Criteria: Myriad Autosomal Dominant, Autosomal Recessive and X-Linked Classification Criteria (2023). Collection method: clinical testing. Allele origin: unknown.
Comment: This variant is considered benign. This variant is a silent/synonymous amino acid change and it is not expected to impact splicing.

KCCC/NGS Laboratory, Kuwait Cancer Control Center
Classification: Benign for Tuberous sclerosis 1. Last evaluated: 2025-02-01. Review status: criteria provided, single submitter. Criteria: ACMG Guidelines, 2015. Collection method: clinical testing. Allele origin: germline. Affected: no.

Blueprint Genetics
Classification: Likely benign. Last evaluated: 2024-01-23. Review status: criteria provided, single submitter. Criteria: ACMG Guidelines, 2015. Collection method: clinical testing. Allele origin: germline.

Color Diagnostics, LLC DBA Color Health
Classification: Benign for Tuberous sclerosis syndrome. Last evaluated: 2022-05-20. Review status: criteria provided, single submitter. Criteria: ACMG Guidelines, 2015. Collection method: clinical testing. Allele origin: germline.

Genome-Nilou Lab
Classification: Benign for Tuberous sclerosis 1. Last evaluated: 2021-11-07. Review status: criteria provided, single submitter. Criteria: ACMG Guidelines, 2015. Collection method: clinical testing. Allele origin: germline. Affected: no.

Sema4
Classification: Benign for Hereditary cancer-predisposing syndrome. Last evaluated: 2021-07-19. Review status: criteria provided, single submitter. Criteria: Sema4 Curation Guidelines. Collection method: curation. Allele origin: germline.

Ambry Genetics
Classification: Likely benign for Hereditary cancer-predisposing syndrome. Last evaluated: 2016-12-07. Review status: criteria provided, single submitter. Criteria: Ambry Variant Classification Scheme 2023. Collection method: clinical testing. Allele origin: germline.

GeneDx
Classification: Benign. Last evaluated: 2015-08-07. Review status: criteria provided, single submitter. Criteria: GeneDx Variant Classification (06012015). Collection method: clinical testing. Allele origin: germline. Affected: yes.
Comment: This variant is considered likely benign or benign based on one or more of the following criteria: it is a conservative change, it occurs at a poorly conserved position in the protein, it is predicted to be benign by multiple in silico algorithms, and/or has population frequency not consistent with disease.

PreventionGenetics, part of Exact Sciences
Classification: Likely benign. Review status: criteria provided, single submitter. Criteria: ACMG Guidelines, 2015. Collection method: clinical testing. Allele origin: germline.

NM_000368.5(TSC1):c.810A>G (p.Ser270=)

Gene: TSC1 (TSC complex subunit 1; minus strand). Cytogenetic location: 9q34.13.
Variant type: single nucleotide variant.
Coding change: c.810A>G on transcript NM_000368.5 (MANE Select); coding-DNA position 810, A replaced by G.
Protein change: p.Ser270=; no amino-acid change (serine 270 retained).
Molecular consequence: synonymous variant.
Genome position (GRCh38, 1-based): chr9:132,912,385, T>C on the plus strand (A>G on the coding strand, the complement: TSC1 is on the minus strand). VCF-style: chr9-132912385-T-C. GRCh37 (hg19) VCF-style: chr9-135787772-T-C.
Other names: c.810A>G, p.Ser270= (NM_001162426.2); c.657A>G, p.Ser219= (NM_001162427.2); c.447A>G, p.Ser149= (NM_001362177.2).
Identifiers: ClinVar variation 237727 (VCV000237727.22), dbSNP rs142336706, ClinGen allele CA039053.